The following is an entry in ClinVar:

NM_001009999.3(KDM1A):c.128G>A (p.Gly43Asp)

Gene: KDM1A (lysine demethylase 1A; plus strand). Cytogenetic location: 1p36.12.
Variant type: single nucleotide variant.
Coding change: c.128G>A on transcript NM_001009999.3 (MANE Select); coding-DNA position 128, G replaced by A.
Protein change: p.Gly43Asp; replaces glycine 43 with aspartic acid.
Molecular consequence: missense variant.
Genome position (GRCh38, 1-based): chr1:23,019,724, G>A. VCF-style: chr1-23019724-G-A. GRCh37 (hg19) VCF-style: chr1-23346217-G-A.
Other names: c.128G>A, p.Gly43Asp (NM_001363654.2, NM_015013.4); short protein forms G43D.
Identifiers: ClinVar variation 1305860 (VCV001305860.2), dbSNP rs1375048637, ClinGen allele CA338950789.

ClinVar aggregate classification (germline): Uncertain significance (1 of 4 stars; one submission).

Submission:

GeneDx
Classification: Uncertain significance. Last evaluated: 2019-12-09. Review status: criteria provided, single submitter. Criteria: GeneDx Variant Classification Process June 2021. Collection method: clinical testing. Allele origin: germline. Affected: yes.
Comment: In silico analysis, which includes protein predictors and evolutionary conservation, supports that this variant does not alter protein structure/function; Has not been previously published as pathogenic or benign to our knowledge